The following is an entry in ClinVar:

ClinVar aggregate classification (germline): Uncertain significance (1 of 4 stars; one submission).

Submission:

Labcorp Genetics (formerly Invitae), Labcorp
Classification: Uncertain significance. Last evaluated: 2023-12-19. Review status: criteria provided, single submitter. Criteria: Invitae Variant Classification Sherloc (09022015). Collection method: clinical testing. Allele origin: germline.
Comment: This variant is a gross deletion of the genomic region encompassing exon(s) 5 of the CREB3L3 gene. This variant would be expected to be in-frame, preserving the integrity of the reading frame. A similar copy number variant has been observed in individual(s) with dyslipidemia (PMID: 32041611). Experimental studies and prediction algorithms are not available or were not evaluated, and the functional significance of this variant is currently unknown. In summary, the available evidence is currently insufficient to determine the role of this variant in disease. Therefore, it has been classified as a Variant of Uncertain Significance.

Literature cited by the submitters: PubMed 32041611.

NC_000019.9:g.(?_4164480)_(4164657_?)del

Gene: CREB3L3 (cAMP responsive element binding protein 3 like 3; plus strand). Cytogenetic location: 19p13.3.
Variant type: Deletion.
Identifiers: ClinVar variation 1412588 (VCV001412588.6).